The following is an entry in ClinVar:

NM_000059.4(BRCA2):c.6442T>G (p.Ser2148Ala)

Gene: BRCA2 (BRCA2 DNA repair associated; plus strand). Cytogenetic location: 13q13.1.
Variant type: single nucleotide variant.
Coding change: c.6442T>G on transcript NM_000059.4 (MANE Select); coding-DNA position 6442, T replaced by G.
Protein change: p.Ser2148Ala; replaces serine 2148 with alanine.
Molecular consequence: missense variant.
Genome position (GRCh38, 1-based): chr13:32,340,797, T>G. VCF-style: chr13-32340797-T-G. GRCh37 (hg19) VCF-style: chr13-32914934-T-G.
Other names: short protein forms S2148A.
Identifiers: ClinVar variation 839571 (VCV000839571.18), dbSNP rs1314863621, ClinGen allele CA387789315.

ClinVar aggregate classification (germline): Conflicting classifications of pathogenicity. Review status: criteria provided, conflicting classifications (1 of 4 stars). 5 submissions from 5 submitters: Uncertain significance (4); Likely benign (1). Last evaluated 2025-06-30.

Conditions:
Hereditary breast ovarian cancer syndrome. Also called: Hereditary breast and ovarian cancer syndrome (HBOC); Hereditary breast and ovarian cancer; Hereditary breast and/or ovarian cancer syndrome; Hereditary breast and ovarian cancer syndrome; Breast and ovarian cancer; BRCA1- and BRCA2-Associated Hereditary Breast and Ovarian Cancer. Identifiers: Orphanet 145, MedGen C0677776, MeSH D061325, MONDO:0003582. Disease mechanism: loss of function.
BRCA2-related cancer predisposition. Identifiers: MedGen CN377758, MONDO:0700269.
Hereditary cancer-predisposing syndrome. Also called: Neoplastic Syndromes, Hereditary; Tumor predisposition; Hereditary neoplastic syndrome; Hereditary Cancer Syndrome. Identifiers: Orphanet 140162, MedGen C0027672, MeSH D009386, MONDO:0015356.

Allele frequency attached by ClinVar (database versions not stated): TOPMed below 0.00001; gnomAD 0.00001.

Submissions (5):

Labcorp Genetics (formerly Invitae), Labcorp
Classification: Uncertain significance for Hereditary breast ovarian cancer syndrome. Last evaluated: 2025-06-30. Review status: criteria provided, single submitter. Criteria: Invitae Variant Classification Sherloc (09022015). Collection method: clinical testing. Allele origin: germline.
Comment: This sequence change replaces serine, which is neutral and polar, with alanine, which is neutral and non-polar, at codon 2148 of the BRCA2 protein (p.Ser2148Ala). This variant is not present in population databases (gnomAD no frequency). This variant has not been reported in the literature in individuals affected with BRCA2-related conditions. ClinVar contains an entry for this variant (Variation ID: 839571). Invitae Evidence Modeling of protein sequence and biophysical properties (such as structural, functional, and spatial information, amino acid conservation, physicochemical variation, residue mobility, and thermodynamic stability) indicates that this missense variant is not expected to disrupt BRCA2 protein function with a negative predictive value of 95%. In summary, the available evidence is currently insufficient to determine the role of this variant in disease. Therefore, it has been classified as a Variant of Uncertain Significance.

Ambry Genetics
Classification: Uncertain significance for Hereditary cancer-predisposing syndrome. Last evaluated: 2025-02-09. Review status: criteria provided, single submitter. Criteria: Ambry Variant Classification Scheme 2023. Collection method: clinical testing. Allele origin: germline.
Comment: The p.S2148A variant (also known as c.6442T>G), located in coding exon 10 of the BRCA2 gene, results from a T to G substitution at nucleotide position 6442. The serine at codon 2148 is replaced by alanine, an amino acid with similar properties. This amino acid position is conserved. In addition, this alteration is predicted to be tolerated by in silico analysis. Based on the available evidence, the clinical significance of this variant remains unclear.

All of Us Research Program, National Institutes of Health
Classification: Uncertain significance for BRCA2-related cancer predisposition. Last evaluated: 2024-03-05. Review status: criteria provided, single submitter. Criteria: ACMG Guidelines, 2015. Collection method: clinical testing. Allele origin: germline. Inheritance: Autosomal dominant inheritance. Observed: 1 variant allele, 1 heterozygote.
Comment: This study involves interpretation of variants in research participants for the purpose of population health screening. Participant phenotype was not available at the time of variant classification. Additional details can be found in publication PMID: 35346344, PMCID: PMC8962531

University of Washington Department of Laboratory Medicine, University of Washington
Classification: Likely benign for Hereditary cancer-predisposing syndrome. Last evaluated: 2023-03-23. Review status: criteria provided, single submitter. Criteria: Dines et al. (Genet Med. 2020). Collection method: curation. Allele origin: germline.
Comment: Missense variant in a coldspot region where missense variants are very unlikely to be pathogenic (PMID:31911673).

BRCA2 exon 11 coldspot. Reclassification based on statistical prior probability.

Women's Health and Genetics/Laboratory Corporation of America, LabCorp
Classification: Uncertain significance. Last evaluated: 2023-01-08. Review status: criteria provided, single submitter. Criteria: LabCorp Variant Classification Summary - May 2015. Collection method: clinical testing. Allele origin: germline.